The following is an entry in ClinVar:

ClinVar aggregate classification (germline): Likely benign. Review status: criteria provided, multiple submitters, no conflicts (2 of 4 stars). 2 submissions from 2 submitters: Likely benign (2). Last evaluated 2026-03-01.

gnomAD v4.1: 4,500 of 1,608,226 alleles (0.28%); highest among the groups gnomAD compares: Non-Finnish European, 0.36%; 10 homozygotes.

Submissions (2):

CeGaT Center for Human Genetics Tuebingen
Classification: Likely benign. Last evaluated: 2026-03-01. Review status: criteria provided, single submitter. Criteria: CeGaT Center For Human Genetics Tuebingen Variant Classification Criteria Version 2. Collection method: clinical testing. Allele origin: germline. Affected: yes. Observed: 2 variant alleles.
Comment: SREBF1: BP4, BP7

Blueprint Genetics
Classification: Likely benign. Last evaluated: 2024-11-21. Review status: criteria provided, single submitter. Criteria: ACMG Guidelines, 2015. Collection method: clinical testing. Allele origin: germline.

NM_004176.5(SREBF1):c.1584C>T (p.Asn528=)

Gene: SREBF1 (sterol regulatory element binding transcription factor 1; minus strand). Cytogenetic location: 17p11.2.
Variant type: single nucleotide variant.
Coding change: c.1584C>T on transcript NM_004176.5 (MANE Select); coding-DNA position 1584, C replaced by T.
Protein change: p.Asn528=; no amino-acid change (asparagine 528 retained).
Molecular consequence: synonymous variant. On other transcripts: non-coding transcript variant (4), intron variant (1).
Genome position (GRCh38, 1-based): chr17:17,817,278, G>A on the plus strand (C>T on the coding strand, the complement: SREBF1 is on the minus strand). VCF-style: chr17-17817278-G-A. GRCh37 (hg19) VCF-style: chr17-17720592-G-A.
Other names: c.1674C>T, p.Asn558= (NM_001005291.3); c.1512C>T, p.Asn504= (NM_001321096.3); c.1584C>T, p.Asn528= (NM_001388385.1, NM_001388386.1); c.1623C>T, p.Asn541= (NM_001388387.1); c.1539C>T, p.Asn513= (NM_001388388.1); c.1578C>T, p.Asn526= (NM_001388389.1); c.1566C>T, p.Asn522= (NM_001388390.1); c.1557C>T, p.Asn519= (NM_001388391.1); and 3 more.
Identifiers: ClinVar variation 4083577 (VCV004083577.9).